The following is an entry in ClinVar:

ClinVar aggregate classification (germline): Uncertain significance (1 of 4 stars; one submission).

Conditions:
Hereditary spastic paraplegia 4. Also called: Spastic Paraplegia 4; Familial spastic paraplegia autosomal dominant 2; Spastic paraplegia 4, autosomal dominant. Identifiers: Orphanet 100985, MedGen C1866855, MONDO:0008438, OMIM 182601.

Allele frequency attached by ClinVar (database versions not stated): gnomAD exomes below 0.00001.
gnomAD v4.1: 1 of 1,613,872 alleles (0.000062%); highest among the groups gnomAD compares: Non-Finnish European, 0.000085%; no homozygotes.

Submission:

Labcorp Genetics (formerly Invitae), Labcorp
Classification: Uncertain significance for Hereditary spastic paraplegia 4. Last evaluated: 2017-10-14. Review status: criteria provided, single submitter. Criteria: Invitae Variant Classification Sherloc (09022015). Collection method: clinical testing. Allele origin: germline.
Comment: This sequence change replaces aspartic acid with asparagine at codon 478 of the SPAST protein (p.Asp478Asn). The aspartic acid residue is highly conserved and there is a small physicochemical difference between aspartic acid and asparagine. In summary, the available evidence is currently insufficient to determine the role of this variant in disease. Therefore, it has been classified as a Variant of Uncertain Significance. Algorithms developed to predict the effect of missense changes on protein structure and function do not agree on the potential impact of this missense change (SIFT: "Tolerated"; PolyPhen-2: "Possibly Damaging"; Align-GVGD: "Class C0"). This variant has not been reported in the literature in individuals with SPAST-related disease. This variant is not present in population databases (ExAC no frequency).

NM_014946.4(SPAST):c.1432G>A (p.Asp478Asn)

Gene: SPAST (spastin; plus strand). Cytogenetic location: 2p22.3.
Variant type: single nucleotide variant.
Coding change: c.1432G>A on transcript NM_014946.4 (MANE Select); coding-DNA position 1432, G replaced by A.
Protein change: p.Asp478Asn; replaces aspartic acid 478 with asparagine.
Molecular consequence: missense variant.
Genome position (GRCh38, 1-based): chr2:32,137,127, G>A. VCF-style: chr2-32137127-G-A. GRCh37 (hg19) VCF-style: chr2-32362196-G-A.
Other names: c.1429G>A, p.Asp477Asn (NM_001363823.2); c.1333G>A, p.Asp445Asn (NM_001363875.2); c.1336G>A, p.Asp446Asn (NM_001377959.1, NM_199436.2); short protein forms D478N, D445N, D446N, D477N.
Identifiers: ClinVar variation 536449 (VCV000536449.8), dbSNP rs1191508807, ClinGen allele CA346502414.